The following is an entry in ClinVar:

NM_001853.4(COL9A3):c.394C>T (p.Pro132Ser)

Gene: COL9A3 (collagen type IX alpha 3 chain; plus strand). Cytogenetic location: 20q13.33.
Variant type: single nucleotide variant.
Coding change: c.394C>T on transcript NM_001853.4 (MANE Select); coding-DNA position 394, C replaced by T.
Protein change: p.Pro132Ser; replaces proline 132 with serine.
Molecular consequence: missense variant.
Genome position (GRCh38, 1-based): chr20:62,821,781, C>T. VCF-style: chr20-62821781-C-T. GRCh37 (hg19) VCF-style: chr20-61453133-C-T.
Other names: short protein forms P132S.
Identifiers: ClinVar variation 1310891 (VCV001310891.12), dbSNP rs1197624925, ClinGen allele CA409588513.

ClinVar aggregate classification (germline): Uncertain significance. Review status: criteria provided, multiple submitters, no conflicts (2 of 4 stars). 3 submissions from 3 submitters: Uncertain significance (3). Last evaluated 2025-08-17.

Conditions:
Inborn genetic diseases. Identifiers: MedGen C0950123, MeSH D030342.

Allele frequency attached by ClinVar (database versions not stated): gnomAD exomes below 0.00001; TOPMed below 0.00001.
gnomAD v4.1: 2 of 1,610,662 alleles (0.00012%); highest among the groups gnomAD compares: Non-Finnish European, 0.00017%; no homozygotes.

Submissions (3):

Labcorp Genetics (formerly Invitae), Labcorp
Classification: Uncertain significance. Last evaluated: 2025-08-17. Review status: criteria provided, single submitter. Criteria: Invitae Variant Classification Sherloc (09022015). Collection method: clinical testing. Allele origin: germline.
Comment: This sequence change replaces proline, which is neutral and non-polar, with serine, which is neutral and polar, at codon 132 of the COL9A3 protein (p.Pro132Ser). This variant is not present in population databases (gnomAD no frequency). This variant has not been reported in the literature in individuals affected with COL9A3-related conditions. ClinVar contains an entry for this variant (Variation ID: 1310891). Invitae Evidence Modeling of protein sequence and biophysical properties (such as structural, functional, and spatial information, amino acid conservation, physicochemical variation, residue mobility, and thermodynamic stability) indicates that this missense variant is not expected to disrupt COL9A3 protein function with a negative predictive value of 95%. In summary, the available evidence is currently insufficient to determine the role of this variant in disease. Therefore, it has been classified as a Variant of Uncertain Significance.

Ambry Genetics
Classification: Uncertain significance for Inborn genetic diseases. Last evaluated: 2024-12-24. Review status: criteria provided, single submitter. Criteria: Ambry Variant Classification Scheme 2023. Collection method: clinical testing. Allele origin: germline.

GeneDx
Classification: Uncertain significance. Last evaluated: 2023-10-02. Review status: criteria provided, single submitter. Criteria: GeneDx Variant Classification Process June 2021. Collection method: clinical testing. Allele origin: germline. Affected: yes.
Comment: Has not been previously published as pathogenic or benign to our knowledge; Not observed at significant frequency in large population cohorts (gnomAD); In silico analysis supports that this missense variant does not alter protein structure/function